The following is an entry in ClinVar:

ClinVar aggregate classification (germline): Uncertain significance (1 of 4 stars; one submission).

Conditions:
Early-infantile DEE. Also called: Early infantile epileptic encephalopathy; Early infantile epileptic encephalopathy with suppression bursts; Ohtahara syndrome. Identifiers: Orphanet 1934, MedGen C0393706, MONDO:0800491.

Allele frequency attached by ClinVar (database versions not stated): gnomAD exomes below 0.00001.
gnomAD v4.1: 1 of 1,611,962 alleles (0.000062%); highest among the groups gnomAD compares: Non-Finnish European, 0.000085%; no homozygotes.

Submission:

Labcorp Genetics (formerly Invitae), Labcorp
Classification: Uncertain significance for Early-infantile DEE. Last evaluated: 2023-02-21. Review status: criteria provided, single submitter. Criteria: Invitae Variant Classification Sherloc (09022015). Collection method: clinical testing. Allele origin: germline.
Comment: In summary, the available evidence is currently insufficient to determine the role of this variant in disease. Therefore, it has been classified as a Variant of Uncertain Significance. Advanced modeling of protein sequence and biophysical properties (such as structural, functional, and spatial information, amino acid conservation, physicochemical variation, residue mobility, and thermodynamic stability) performed at Invitae indicates that this missense variant is expected to disrupt SCN1A protein function. This variant has not been reported in the literature in individuals affected with SCN1A-related conditions. This variant is not present in population databases (gnomAD no frequency). This sequence change replaces cysteine, which is neutral and slightly polar, with tyrosine, which is neutral and polar, at codon 1191 of the SCN1A protein (p.Cys1191Tyr).

NM_001165963.4(SCN1A):c.3572G>A (p.Cys1191Tyr)

Genes: SCN1A (sodium voltage-gated channel alpha subunit 1; minus strand), LOC102724058 (uncharacterized LOC102724058; plus strand). Cytogenetic location: 2q24.3.
Variant type: single nucleotide variant.
Coding change: c.3572G>A on transcript NM_001165963.4 (MANE Select); coding-DNA position 3572, G replaced by A.
Protein change: p.Cys1191Tyr; replaces cysteine 1191 with tyrosine.
Molecular consequence: missense variant. On other transcripts: non-coding transcript variant (1).
Genome position (GRCh38, 1-based): chr2:166,013,877, C>T on the plus strand (G>A on the coding strand, the complement: SCN1A is on the minus strand). VCF-style: chr2-166013877-C-T. GRCh37 (hg19) VCF-style: chr2-166870387-C-T.
Other names: c.3488G>A, p.Cys1163Tyr (NM_001165964.3, NM_001353957.2, NM_001353958.2); c.3572G>A, p.Cys1191Tyr (NM_001202435.3, NM_001353948.2); c.3539G>A, p.Cys1180Tyr (NM_001353949.2, NM_001353950.2, NM_001353951.2 and 2 more transcripts); c.3536G>A, p.Cys1179Tyr (NM_001353954.2, NM_001353955.2); c.3485G>A, p.Cys1162Tyr (NM_001353960.2); c.1130G>A, p.Cys377Tyr (NM_001353961.2); short protein forms C1179Y, C1191Y, C377Y, C1163Y, C1180Y, C1162Y.
Identifiers: ClinVar variation 2916892 (VCV002916892.3), dbSNP rs2468532994, ClinGen allele CA349056336.